The following is an entry in ClinVar:

NM_173560.4(RFX6):c.2616_2617del (p.Ser873fs)

Gene: RFX6 (regulatory factor X6; plus strand). Cytogenetic location: 6q22.1.
Variant type: Deletion.
Coding change: c.2616_2617del on transcript NM_173560.4 (MANE Select); coding-DNA positions 2616 to 2617, 2 bases deleted (CA; older notation c.2616_2617delCA).
Protein change: p.Ser873fs; shifts the reading frame from serine 873.
Molecular consequence: frameshift variant.
Genome position (GRCh38, 1-based): chr6:116,931,335-116,931,336, CA deleted. VCF-style (leftmost placement, unchanged base first): chr6-116931334-CCA-C. GRCh37 (hg19) VCF-style: chr6-117252497-CCA-C.
Other names: short protein forms S873fs.
Identifiers: ClinVar variation 5002369 (VCV005002369.1).

ClinVar aggregate classification (germline): Likely pathogenic (1 of 4 stars; one submission).

Conditions:
RFX6-related disorder. Also called: RFX6-related condition.

Submission:

PreventionGenetics, part of Exact Sciences
Classification: Likely pathogenic for RFX6-related condition. Last evaluated: 2024-11-23. Review status: criteria provided, single submitter. Criteria: ACMG Guidelines, 2015. Collection method: clinical testing. Allele origin: germline.
Comment: The RFX6 c.2616_2617delCA variant is predicted to result in a frameshift and premature protein termination (p.Ser873Phefs*34). To our knowledge, this variant has not been reported in the literature or in a large population database (gnomAD), indicating this variant is rare. Frameshift variants in RFX6 are expected to be pathogenic. This variant is interpreted as likely pathogenic.